The following is an entry in ClinVar:

ClinVar aggregate classification (germline): Pathogenic (1 of 4 stars; one submission).

Submission:

GeneDx
Classification: Pathogenic. Last evaluated: 2025-02-18. Review status: criteria provided, single submitter. Criteria: GeneDx Variant Classification Process June 2021. Collection method: clinical testing. Allele origin: germline. Affected: yes.
Comment: Reported previously as a pathogenic variant in a patient who is noted to have a definitive diagnosis of tuberous sclerosis complex; however, detailed clinical information was not provided (PMID: 32917966); Canonical splice site variant predicted to result in an in-frame loss of the adjacent exon in a gene for which loss of function is a known mechanism of disease; Not observed at significant frequency in large population cohorts (gnomAD); Deletions involving coding exons of this gene are a known mechanism of disease (HGMD; other references); This variant is associated with the following publications: (PMID: 34096024, 32917966)

NM_000548.5(TSC2):c.2355+1G>C

Gene: TSC2 (TSC complex subunit 2; plus strand). Cytogenetic location: 16p13.3.
Variant type: single nucleotide variant.
Coding change: c.2355+1G>C on transcript NM_000548.5 (MANE Select); the canonical splice donor site of the intron after coding-DNA position 2355, G replaced by C.
Molecular consequence: splice donor variant.
Genome position (GRCh38, 1-based): chr16:2,072,984, G>C. VCF-style: chr16-2072984-G-C. GRCh37 (hg19) VCF-style: chr16-2122985-G-C.
Other names: c.1011+1G>C (NM_001406693.1, NM_001406689.1, NM_001406690.1 and 6 more transcripts); c.2445+1G>C (NM_001406667.1, NM_001406668.1); c.1755+1G>C (NM_001406680.1, NM_001406683.1, NM_001406687.1 and 6 more transcripts); c.753+1G>C (NM_001406698.1); c.2355+1G>C (NM_001114382.3, NM_001406663.1, NM_001406664.1 and 6 more transcripts); c.2343+1G>C (NM_001406671.1, NM_001406673.1); c.1893+1G>C (NM_001406681.1); c.2244+1G>C (NM_001406670.1, NM_001318827.2, NM_001406678.1); and 3 more.
Identifiers: ClinVar variation 4075470 (VCV004075470.1).
Genomic context (GRCh38, chr16:2,072,984, plus strand): 5'-GTGGTTCCAGTGCTGACAGCATTAATCTCTTACCATAACTACCTGGACAAAACCAAACAG[G>C]TAGGAGGTCAGAGCAGGACAGGCGAGCTTGATGGGGCCTGGGATTCGAGGGCCTGGCCCA-3'